The following is an entry in ClinVar:

ClinVar aggregate classification (germline): Pathogenic. Review status: reviewed by expert panel (3 of 4 stars). 7 submissions from 7 submitters: Pathogenic (1). 6 of the submissions do not count toward it. Last evaluated 2020-10-05.

Conditions:
Glycogen storage disease, type II (IOPD). Also called: POMPE DISEASE, INFANTILE-ONSET; GLYCOGEN STORAGE DISEASE II, INFANTILE-ONSET; ACID ALPHA-GLUCOSIDASE DEFICIENCY, INFANTILE-ONSET; GAA DEFICIENCY, INFANTILE-ONSET; ACID MALTASE DEFICIENCY, INFANTILE-ONSET; Pompe Disease. Identifiers: Orphanet 365, MedGen C0017921, MONDO:0009290, OMIM 232300.

Allele frequency attached by ClinVar (database versions not stated): gnomAD exomes below 0.00001.
gnomAD v4.1: 3 of 1,613,790 alleles (0.00019%); highest among the groups gnomAD compares: East Asian, 0.0045%; no homozygotes.

Submissions (7):

ClinGen Lysosomal Storage Disorder Variant Curation Expert Panel
Classification: Pathogenic for Glycogen storage disease, type II. Last evaluated: 2020-10-05. Review status: reviewed by expert panel. Criteria: ClinGen LSD ACMG Specifications v1. Collection method: curation. Allele origin: germline. Inheritance: Autosomal recessive inheritance.
Comment: This variant, c.2214G>A (p.Trp738Ter), is a nonsense variant that is predicted to result in nonsense-mediated decay and lack of gene product, meeting PVS1. The highest population minor allele frequency in gnomAD v2.1.1 is 0.00005 in the East Asian population, meeting PM2. An individual with late onset Pompe disease and meeting the ClinGen LSD VCEP's specifications for PP4 who is compound heterozygous for the variant and c.-32-13T>G has been reported (PMID 22676651). This data meets PM3_Supporting. In addition, twins meeting PP4 are compound heterozygous for the variant and c.1942G>A (p.Gly648Ser) (PMID 26575883). However, the in trans data from this family will be used in the assessment of p.Gly648Ser and is not included here in order to avoid circular logic. Other cases have been reported but were not included because the residual GAA activity was not reported and therefore PP4 cannot be assessed (PMID 29523196), cDNA nomenclature was not provided (PMID 20033296), or pseudodeficiency alleles were present (PMID 21644219). There is a ClinVar entry for this variant (Variation ID: 370223; 2 star review status) with two submitters classifying the variant as pathogenic and one as likely pathogenic. In summary, this variant meets the criteria to be classified as pathogenic for Pompe disease. ACMG/AMP criteria applied, as specific by the ClinGen LSD VCEP: PVS1, PM2, PM3_Supporting, PP4.

Genomenon, Inc
Classification: Pathogenic for Glycogen storage disease, type II. Last evaluated: 2026-07-01. Review status: criteria provided, single submitter. Criteria: Genomenon Sequence Variant Interpretation Standards - Updated. Collection method: curation. Allele origin: germline. Affected: yes. Not counted in ClinVar's aggregate classification.
Comment: GAA p.Trp738Ter (c.2214G>A) is a nonsense variant that introduces a premature stop codon at amino acid position 738 and is predicted to result in a truncated or absent protein product. This variant has been observed in at least one proband with a GAA-related disorder (PMID:34852371;29523196;26575883;20033296). It is absent or not present at a significant frequency in gnomAD. In conclusion, we classify GAA p.Trp738Ter (c.2214G>A) as a pathogenic variant.

Labcorp Genetics (formerly Invitae), Labcorp
Classification: Pathogenic for Glycogen storage disease, type II. Last evaluated: 2023-03-02. Review status: criteria provided, single submitter. Criteria: Invitae Variant Classification Sherloc (09022015). Collection method: clinical testing. Allele origin: germline. Not counted in ClinVar's aggregate classification.
Comment: This sequence change creates a premature translational stop signal (p.Trp738*) in the GAA gene. It is expected to result in an absent or disrupted protein product. Loss-of-function variants in GAA are known to be pathogenic (PMID: 18425781, 22252923). This variant is present in population databases (no rsID available, gnomAD 0.006%). This premature translational stop signal has been observed in individual(s) with glycogen storage disease (PMID: 22676651). ClinVar contains an entry for this variant (Variation ID: 370223). For these reasons, this variant has been classified as Pathogenic.

Women's Health and Genetics/Laboratory Corporation of America, LabCorp
Classification: Pathogenic for Glycogen storage disease, type II. Last evaluated: 2021-10-25. Review status: criteria provided, single submitter. Criteria: LabCorp Variant Classification Summary - May 2015. Collection method: clinical testing. Allele origin: germline. Not counted in ClinVar's aggregate classification.
Comment: Variant summary: GAA c.2214G>A (p.Trp738X) results in a premature termination codon, predicted to cause a truncation of the encoded protein or absence of the protein due to nonsense mediated decay, which are commonly known mechanisms for disease. Truncations downstream of this position have been classified as pathogenic by our laboratory. The variant allele was found at a frequency of 4e-06 in 250908 control chromosomes. c.2214G>A has been reported in the literature in individuals affected with Glycogen Storage Disease, Type 2 (Pompe Disease; Herzog_2012, Zheng_2011, Plockinger_2018). Four clinical diagnostic laboratories have submitted clinical-significance assessments for this variant to ClinVar after 2014 without evidence for independent evaluation. All laboratories classified the variant as pathogenic/likely pathogenic. Based on the evidence outlined above, the variant was classified as pathogenic.

Broad Center for Mendelian Genomics, Broad Institute of MIT and Harvard
Classification: Pathogenic for Glycogen storage disease, type II. Last evaluated: 2020-01-22. Review status: criteria provided, single submitter. Criteria: ACMG Guidelines, 2015. Collection method: curation. Allele origin: germline. Inheritance: Autosomal recessive inheritance. Not counted in ClinVar's aggregate classification.
Comment: The p.Trp738Ter variant in GAA has been reported in 2 Chinese and 2 German individuals with Glycogen Storage Disease II, segregated with disease in 2 affected relatives from 1 family (PMID: 21644219, 22676651), and has also been reported likely pathogenic by Counsyl in ClinVar (Variation ID: 370223). This variant has been identified in 0.005% (1/18392) of East Asian chromosomes by the Genome Aggregation Database (gnomAD; dbSNP rs1057516328). Although this variant has been seen in the general population, its frequency is low enough to be consistent with a recessive carrier frequency. This nonsense variant leads to a premature termination codon at position 738, which is predicted to lead to a truncated or absent protein. Loss of function of the GAA gene is an established disease mechanism in autosomal recessive Glycogen Storage Disease II. The presence of this variant in combination with a pathogenic variant, and in individuals with Glycogen Storage Disease II slightly increases the likelihood that the p.Trp738Ter variant is pathogenic (PMID: 22676651). The phenotype of an individual compound heterozygous for this variant is highly specific for Glycogen Storage Disease II based on GAA activity less than 10% of WT, consistent with disease (PMID: 22676651). In summary, this variant meets criteria to be classified as pathogenic for Glycogen Storage Disease II in an autosomal recessive manner based on the predicted impact of the variant and low frequency in the general population. ACMG/AMP Criteria applied: PVS1, PM3_supporting, PP4, PM2 (Richards 2015).

Juno Genomics, Hangzhou Juno Genomics, Inc
Classification: Pathogenic for Glycogen storage disease, type II. Review status: criteria provided, single submitter. Criteria: ACMG Guidelines, 2015. Collection method: clinical testing. Allele origin: germline. Not counted in ClinVar's aggregate classification.
Comment: Absent from controls (or at extremely low frequency if recessive) in Genome Aggregation Database.;Null variant in a gene where loss of function (LOF) is a known mechanism of disease.;For recessive disorders, detected in trans with a pathogenic variant.;Patient's phenotype or family history is highly specific for a disease with a single genetic etiology.

Counsyl
Classification: Likely pathogenic for Glycogen storage disease, type II. Last evaluated: 2015-12-15. Review status: no assertion criteria provided. Collection method: clinical testing. Allele origin: unknown. Not counted in ClinVar's aggregate classification.

Literature cited by the submitters: PubMed 26575883 (cited by ClinGen Lysosomal Storage Disorder Variant Curation Expert Panel and Genomenon, Inc); PubMed 21644219 (cited by 3 submitters); PubMed 22676651 (cited by 5 submitters); PubMed 20033296 (cited by ClinGen Lysosomal Storage Disorder Variant Curation Expert Panel and Genomenon, Inc); PubMed 29523196 (cited by 3 submitters); PubMed 34852371 (cited by Genomenon, Inc); PubMed 18425781 (cited by Labcorp Genetics (formerly Invitae), Labcorp); PubMed 22252923 (cited by Labcorp Genetics (formerly Invitae), Labcorp).

NM_000152.5(GAA):c.2214G>A (p.Trp738Ter)

Gene: GAA (alpha glucosidase; plus strand). Cytogenetic location: 17q25.3.
Variant type: single nucleotide variant.
Coding change: c.2214G>A on transcript NM_000152.5 (MANE Select); coding-DNA position 2214, G replaced by A.
Protein change: p.Trp738Ter; replaces tryptophan 738 with a stop codon.
Molecular consequence: nonsense.
Genome position (GRCh38, 1-based): chr17:80,116,992, G>A. VCF-style: chr17-80116992-G-A. GRCh37 (hg19) VCF-style: chr17-78090791-G-A.
Other names: c.2214G>A (LRG_673t1); c.2214G>A, p.Trp738Ter (NM_001079803.3, NM_001079804.3); short protein forms W738*.
Identifiers: ClinVar variation 370223 (VCV000370223.24), dbSNP rs1057516328, ClinGen allele CA16041901.
Genomic context (GRCh38, chr17:80,116,992, plus strand): 5'-ATCACCCGTATGCCTGTGTGCCCATCCCCCTTGCAGGTTCCCCAAGGACTCTAGCACCTG[G>A]ACTGTGGACCACCAGCTCCTGTGGGGGGAGGCCCTGCTCATCACCCCAGTGCTCCAGGCC-3'